The following is an entry in ClinVar:

NM_001369268.1(ACAN):c.7095C>A (p.Tyr2365Ter)

Gene: ACAN (aggrecan; plus strand). Cytogenetic location: 15q26.1.
Variant type: single nucleotide variant.
Coding change: c.7095C>A on transcript NM_001369268.1 (MANE Select); coding-DNA position 7095, C replaced by A.
Protein change: p.Tyr2365Ter; replaces tyrosine 2365 with a stop codon.
Molecular consequence: nonsense.
Genome position (GRCh38, 1-based): chr15:88,871,416, C>A. VCF-style: chr15-88871416-C-A. GRCh37 (hg19) VCF-style: chr15-89414647-C-A.
Other names: c.6867C>A, p.Tyr2289Ter (NM_001135.4, NM_001411096.1); c.6981C>A, p.Tyr2327Ter (NM_001411097.1, NM_013227.4); short protein forms Y2327*, Y2365*, Y2289*.
Identifiers: ClinVar variation 2736442 (VCV002736442.3), dbSNP rs2505379443, ClinGen allele CA393729423.

ClinVar aggregate classification (germline): Pathogenic (1 of 4 stars; one submission).

Submission:

Labcorp Genetics (formerly Invitae), Labcorp
Classification: Pathogenic. Last evaluated: 2024-08-05. Review status: criteria provided, single submitter. Criteria: Invitae Variant Classification Sherloc (09022015). Collection method: clinical testing. Allele origin: germline.
Comment: This sequence change creates a premature translational stop signal (p.Tyr2327*) in the ACAN gene. It is expected to result in an absent or disrupted protein product. Loss-of-function variants in ACAN are known to be pathogenic (PMID: 16080123, 24762113). This variant is not present in population databases (gnomAD no frequency). This variant has not been reported in the literature in individuals affected with ACAN-related conditions. For these reasons, this variant has been classified as Pathogenic.

Literature cited by the submitters: PubMed 16080123; PubMed 24762113.